The following is an entry in ClinVar:

NM_020297.4(ABCC9):c.3772-8_3772-5dup

Genes: ABCC9 (ATP binding cassette subfamily C member 9; minus strand), KCNJ8-AS1 (KCNJ8 antisense RNA 1; plus strand). Cytogenetic location: 12p12.1.
Variant type: Duplication.
Coding change: c.3772-8_3772-5dup on transcript NM_020297.4 (MANE Select); 8 bases into the intron before coding-DNA position 3772 through 5 bases into the intron before coding-DNA position 3772, 4 bases duplicated (TGAC; older notation c.3772-8_3772-5dupTGAC).
Molecular consequence: intron variant.
Genome position (GRCh38, 1-based): chr12:21,817,312-21,817,315, GTCA duplicated on the plus strand (TGAC on the coding strand, the reverse complement: ABCC9 is on the minus strand); duplicating any 4 consecutive bases within chr12:21,817,312-21,817,316 gives the same sequence; the c. name uses the placement nearest the transcript's 3' end. VCF-style (leftmost placement, unchanged base first): chr12-21817311-T-TGTCA. GRCh37 (hg19) VCF-style: chr12-21970245-T-TGTCA.
Other names: c.2905-8_2905-5dup (NM_001377274.1); c.3772-8_3772-5dup (NM_005691.4, NM_001377273.1).
Identifiers: ClinVar variation 2907789 (VCV002907789.3), dbSNP rs1942709606, ClinGen allele CA2021282357.

ClinVar aggregate classification (germline): Uncertain significance (1 of 4 stars; one submission).

Conditions:
Dilated cardiomyopathy 1O (CMD1O). Also called: CARDIOMYOPATHY, DILATED, WITH VENTRICULAR TACHYCARDIA. Identifiers: Orphanet 154, MedGen C1837839, MONDO:0012062, OMIM 608569.

Submission:

Labcorp Genetics (formerly Invitae), Labcorp
Classification: Uncertain significance for Dilated cardiomyopathy 1O. Last evaluated: 2025-08-13. Review status: criteria provided, single submitter. Criteria: Invitae Variant Classification Sherloc (09022015). Collection method: clinical testing. Allele origin: germline.
Comment: This sequence change falls in intron 30 of the ABCC9 gene. It does not directly change the encoded amino acid sequence of the ABCC9 protein. This variant is not present in population databases (gnomAD no frequency). This variant has not been reported in the literature in individuals affected with ABCC9-related conditions. ClinVar contains an entry for this variant (Variation ID: 2907789). Algorithms developed to predict the effect of sequence changes on RNA splicing suggest that this variant may disrupt the consensus splice site. In summary, the available evidence is currently insufficient to determine the role of this variant in disease. Therefore, it has been classified as a Variant of Uncertain Significance.